The following is an entry in ClinVar:

ClinVar aggregate classification (germline): Pathogenic (1 of 4 stars; one submission).

Submission:

GeneDx
Classification: Pathogenic. Last evaluated: 2015-06-23. Review status: criteria provided, single submitter. Criteria: GeneDx Variant Classification (06012015). Collection method: clinical testing. Allele origin: germline. Affected: yes.
Comment: Although the Q576X variant in the KNCH2 gene has not been reported as a pathogenic variant oras a benign polymorphism to our knowledge, Q576X is predicted to cause loss of normal protein functioneither by protein truncation or nonsense-mediated mRNA decay. Multiple other nonsense variants in theKCNH2 gene have been reported in HGMD in association with LQTS (Stenson P et al., 2014).Furthermore, the Q756X variant was not observed in approximately 6,500 individuals of European andAfrican American ancestry in the NHLBI Exome Sequencing Project, indicating it is not a common benignvariant in these populations. In summary, Q576X in the KCNH2 gene is interpreted as a pathogenic variant.

NM_000238.4(KCNH2):c.1726C>T (p.Gln576Ter)

Gene: KCNH2 (potassium voltage-gated channel subfamily H member 2; minus strand). Cytogenetic location: 7q36.1.
Variant type: single nucleotide variant.
Coding change: c.1726C>T on transcript NM_000238.4 (MANE Select); coding-DNA position 1726, C replaced by T.
Protein change: p.Gln576Ter; replaces glutamine 576 with a stop codon.
Molecular consequence: nonsense.
Genome position (GRCh38, 1-based): chr7:150,951,667, G>A on the plus strand (C>T on the coding strand, the complement: KCNH2 is on the minus strand). VCF-style: chr7-150951667-G-A. GRCh37 (hg19) VCF-style: chr7-150648755-G-A.
Other names: c.706C>T, p.Gln236Ter (NM_001204798.2, NM_172057.3); c.1438C>T, p.Gln480Ter (NM_001406753.1, NM_001406756.1); c.1549C>T, p.Gln517Ter (NM_001406755.1); c.1426C>T, p.Gln476Ter (NM_001406757.1); c.1726C>T, p.Gln576Ter (NM_172056.3); short protein forms Q236*, Q576*, Q517*, Q476*, Q480*.
Identifiers: ClinVar variation 419311 (VCV000419311.4), dbSNP rs759081373, ClinGen allele CA16618410.